The following is an entry in ClinVar:

ClinVar aggregate classification (germline): Uncertain significance (1 of 4 stars; one submission).

Conditions:
Inborn genetic diseases. Identifiers: MedGen C0950123, MeSH D030342.

Submission:

Ambry Genetics
Classification: Uncertain significance for Inborn genetic diseases. Last evaluated: 2024-11-23. Review status: criteria provided, single submitter. Criteria: Ambry Variant Classification Scheme 2023. Collection method: clinical testing. Allele origin: germline.
Comment: The p.H131R variant (also known as c.392A>G), located in coding exon 3 of the USB1 gene, results from an A to G substitution at nucleotide position 392. The histidine at codon 131 is replaced by arginine, an amino acid with highly similar properties. This amino acid position is conserved. In addition, this alteration is predicted to be tolerated by in silico analysis. Based on the available evidence, the clinical significance of this variant remains unclear.

NM_024598.4(USB1):c.392A>G (p.His131Arg)

Gene: USB1 (U6 snRNA biogenesis phosphodiesterase 1; plus strand). Cytogenetic location: 16q21.
Variant type: single nucleotide variant.
Coding change: c.392A>G on transcript NM_024598.4 (MANE Select); coding-DNA position 392, A replaced by G.
Protein change: p.His131Arg; replaces histidine 131 with arginine.
Molecular consequence: missense variant.
Genome position (GRCh38, 1-based): chr16:58,010,055, A>G. VCF-style: chr16-58010055-A-G. GRCh37 (hg19) VCF-style: chr16-58043959-A-G.
Other names: c.392A>G, p.His131Arg (NM_001195302.2, NM_001204911.2, NM_001330569.2); c.239A>G, p.His80Arg (NM_001330568.2); short protein forms H131R, H80R.
Identifiers: ClinVar variation 3466473 (VCV003466473.1).